The following is an entry in ClinVar:

ClinVar aggregate classification (germline): Uncertain significance (1 of 4 stars; one submission).

Conditions:
Multiple congenital anomalies-hypotonia-seizures syndrome 1 (MCAHS1). Also called: PIGN-CDG; Congenital disorder of glycosylation due to PIGN deficiency; GLYCOSYLPHOSPHATIDYLINOSITOL BIOSYNTHESIS DEFECT 3. Identifiers: Orphanet 280633, MedGen C3279775, MONDO:0013563, OMIM 614080.

Allele frequency attached by ClinVar (database versions not stated): gnomAD exomes below 0.00001 and 0.00001; TOPMed below 0.00001; ExAC 0.00001.
gnomAD v4.1: 4 of 1,603,714 alleles (0.00025%); highest among the groups gnomAD compares: Admixed American, 0.0017%; no homozygotes.

Submission:

Labcorp Genetics (formerly Invitae), Labcorp
Classification: Uncertain significance for Multiple congenital anomalies-hypotonia-seizures syndrome 1. Last evaluated: 2021-08-20. Review status: criteria provided, single submitter. Criteria: Invitae Variant Classification Sherloc (09022015). Collection method: clinical testing. Allele origin: germline.
Comment: This sequence change replaces threonine with alanine at codon 890 of the PIGN protein (p.Thr890Ala). The threonine residue is highly conserved and there is a small physicochemical difference between threonine and alanine. This variant is present in population databases (rs755462112, ExAC 0.002%). This variant has not been reported in the literature in individuals affected with PIGN-related conditions. Algorithms developed to predict the effect of missense changes on protein structure and function (SIFT, PolyPhen-2, Align-GVGD) all suggest that this variant is likely to be tolerated. In summary, the available evidence is currently insufficient to determine the role of this variant in disease. Therefore, it has been classified as a Variant of Uncertain Significance.

NM_176787.5(PIGN):c.2668A>G (p.Thr890Ala)

Gene: PIGN (phosphatidylinositol glycan anchor biosynthesis class N; minus strand). Cytogenetic location: 18q21.33.
Variant type: single nucleotide variant.
Coding change: c.2668A>G on transcript NM_176787.5 (MANE Select); coding-DNA position 2668, A replaced by G.
Protein change: p.Thr890Ala; replaces threonine 890 with alanine.
Molecular consequence: missense variant.
Genome position (GRCh38, 1-based): chr18:62,072,677, T>C on the plus strand (A>G on the coding strand, the complement: PIGN is on the minus strand). VCF-style: chr18-62072677-T-C. GRCh37 (hg19) VCF-style: chr18-59739910-T-C.
Other names: c.2668A>G, p.Thr890Ala (NM_012327.6); short protein forms T890A.
Identifiers: ClinVar variation 1417744 (VCV001417744.5), dbSNP rs755462112, ClinGen allele CA8981901.